The following is an entry in ClinVar:

ClinVar aggregate classification (germline): Likely benign. Review status: criteria provided, single submitter (1 of 4 stars). 2 submissions from 2 submitters: Likely benign (1). 1 of the submissions does not count toward it. Last evaluated 2026-02-04.

Conditions:
Nemaline myopathy 2 (NEM2). Also called: Nemaline myopathy 2, autosomal recessive. Identifiers: MedGen C1850569, MONDO:0009725, OMIM 256030.
NEB-related disorder. Also called: NEB-Related Disorders; NEB-related condition.

Allele frequency attached by ClinVar (database versions not stated): ExAC 0.00001; gnomAD exomes 0.00001; TOPMed 0.00003; gnomAD 0.00004; ESP Exome Variant Server 0.00008.
gnomAD v4.1: 8 of 1,612,666 alleles (0.0005%); highest among the groups gnomAD compares: African/African-American, 0.008%; no homozygotes.

Submissions (2):

Labcorp Genetics (formerly Invitae), Labcorp
Classification: Likely benign for Nemaline myopathy 2. Last evaluated: 2026-02-04. Review status: criteria provided, single submitter. Criteria: Invitae Variant Classification Sherloc (09022015). Collection method: clinical testing. Allele origin: germline.

PreventionGenetics, part of Exact Sciences
Classification: Likely benign for NEB-related condition. Last evaluated: 2022-06-27. Review status: no assertion criteria provided. Collection method: clinical testing. Allele origin: germline. Not counted in ClinVar's aggregate classification.
Comment: This variant is classified as likely benign based on ACMG/AMP sequence variant interpretation guidelines (Richards et al. 2015 PMID: 25741868, with internal and published modifications).

NM_001164508.2(NEB):c.4680A>T (p.Pro1560=)

Gene: NEB (nebulin; minus strand). Cytogenetic location: 2q23.3.
Variant type: single nucleotide variant.
Coding change: c.4680A>T on transcript NM_001164508.2 (MANE Select); coding-DNA position 4680, A replaced by T.
Protein change: p.Pro1560=; no amino-acid change (proline 1560 retained).
Molecular consequence: synonymous variant.
Genome position (GRCh38, 1-based): chr2:151,667,843, T>A on the plus strand (A>T on the coding strand, the complement: NEB is on the minus strand). VCF-style: chr2-151667843-T-A. GRCh37 (hg19) VCF-style: chr2-152524357-T-A.
Other names: c.4680A>T, p.Pro1560= (NM_001164507.2, NM_001271208.2, NM_004543.5); c.4680A>T (NM_001271208.1).
Identifiers: ClinVar variation 1124248 (VCV001124248.11), dbSNP rs369222043, ClinGen allele CA1910562.
Genomic context (GRCh38, chr2:151,667,843, plus strand): 5'-CTACTTTTAAGTTAGACTTACATCACTAGCAATATTCCTTGAACTTTTTGCAGCAACAAT[T>A]GGGATGGCATCTGGTCTCAAATCATAGCCCTTGGCAATGGTTTTCTTCCAATCTGCTTTA-3'
Protein context (NP_001157980.2, residues 1550-1570): KGYDLRPDAI[Pro1560=]IVAAKSSRNI